The following is an entry in ClinVar:

ClinVar aggregate classification (germline): Uncertain significance. Review status: criteria provided, multiple submitters, no conflicts (2 of 4 stars). 3 submissions from 3 submitters: Uncertain significance (3). Last evaluated 2025-08-24.

Conditions:
Myopathy, proximal, and ophthalmoplegia (CMYO6). Also called: CONGENITAL MYOPATHY 6 WITH OPHTHALMOPLEGIA; MYOPATHY WITH CONGENITAL JOINT CONTRACTURES, OPHTHALMOPLEGIA, AND RIMMED VACUOLES; INCLUSION BODY MYOPATHY 3, AUTOSOMAL DOMINANT. Identifiers: Orphanet 363677, Orphanet 79091, MedGen C1854106, MONDO:0011577, OMIM 605637.

Allele frequency attached by ClinVar (database versions not stated): TOPMed below 0.00001.
gnomAD v4.1: 10 of 1,614,180 alleles (0.00062%); highest among the groups gnomAD compares: Non-Finnish European, 0.00085%; no homozygotes.

Submissions (3):

Labcorp Genetics (formerly Invitae), Labcorp
Classification: Uncertain significance for Myopathy, proximal, and ophthalmoplegia. Last evaluated: 2025-08-24. Review status: criteria provided, single submitter. Criteria: Invitae Variant Classification Sherloc (09022015). Collection method: clinical testing. Allele origin: germline.
Comment: This sequence change replaces arginine, which is basic and polar, with leucine, which is neutral and non-polar, at codon 1852 of the MYH2 protein (p.Arg1852Leu). This variant is present in population databases (rs769778269, gnomAD 0.0009%). This variant has not been reported in the literature in individuals affected with MYH2-related conditions. ClinVar contains an entry for this variant (Variation ID: 856470). Invitae Evidence Modeling of protein sequence and biophysical properties (such as structural, functional, and spatial information, amino acid conservation, physicochemical variation, residue mobility, and thermodynamic stability) indicates that this missense variant is expected to disrupt MYH2 protein function with a positive predictive value of 80%. In summary, the available evidence is currently insufficient to determine the role of this variant in disease. Therefore, it has been classified as a Variant of Uncertain Significance.

Genomic Medicine Center of Excellence, King Faisal Specialist Hospital and Research Centre
Classification: Uncertain significance for Myopathy, proximal, and ophthalmoplegia. Last evaluated: 2024-09-22. Review status: criteria provided, single submitter. Criteria: ACMG Guidelines, 2015. Collection method: clinical testing. Allele origin: germline.

GeneDx
Classification: Uncertain significance. Last evaluated: 2024-06-25. Review status: criteria provided, single submitter. Criteria: GeneDx Variant Classification Process June 2021. Collection method: clinical testing. Allele origin: germline. Affected: yes.
Comment: Reported previously as a homozygous variant in a patient with congenital myasthenic syndrome; however, the patient also harbored a homozygous variant in CHRNE that seemed to segregate with disease in the family (PMID: 38001983); Not observed at significant frequency in large population cohorts (gnomAD); In silico analysis supports that this missense variant has a deleterious effect on protein structure/function; This variant is associated with the following publications: (PMID: 30724488, 38001983)

NM_017534.6(MYH2):c.5555G>T (p.Arg1852Leu)

Genes: MYH2 (myosin heavy chain 2; minus strand), MYHAS (myosin heavy chain gene cluster antisense RNA; plus strand). Cytogenetic location: 17p13.1.
Variant type: single nucleotide variant.
Coding change: c.5555G>T on transcript NM_017534.6 (MANE Select); coding-DNA position 5555, G replaced by T.
Protein change: p.Arg1852Leu; replaces arginine 1852 with leucine.
Molecular consequence: missense variant.
Genome position (GRCh38, 1-based): chr17:10,523,330, C>A on the plus strand (G>T on the coding strand, the complement: MYH2 is on the minus strand). VCF-style: chr17-10523330-C-A. GRCh37 (hg19) VCF-style: chr17-10426647-C-A.
Other names: c.5555G>T, p.Arg1852Leu (NM_001100112.2); short protein forms R1852L.
Identifiers: ClinVar variation 856470 (VCV000856470.4), dbSNP rs769778269, ClinGen allele CA8390368.